The following continues an entry in ClinVar:

NM_000135.4(FANCA):c.2T>C (p.Met1Thr)

ClinVar aggregate classification (germline): Pathogenic/Likely pathogenic. Pathogenic (11); Likely pathogenic (1).

Submissions 8 to 14 of 14:

Blueprint Genetics
Classification: Pathogenic for FANCA-related disorders. Last evaluated: 2022-07-25. Review status: criteria provided, single submitter. Criteria: ACMG Guidelines, 2015. Collection method: clinical testing. Allele origin: germline. Affected: yes. Observed: 1 variant allele.

Genetics and Genomic Medicine Centre, NeuroGen Healthcare, NeuroGen Healthcare
Classification: Likely pathogenic for Fanconi anemia complementation group A. Last evaluated: 2022-03-27. Review status: criteria provided, single submitter. Criteria: Submitter's publication. Collection method: clinical testing. Allele origin: unknown. Affected: no.

Revvity Omics, Revvity
Classification: Pathogenic for Fanconi anemia complementation group A. Last evaluated: 2021-03-26. Review status: criteria provided, single submitter. Criteria: ACMG Guidelines, 2015. Collection method: clinical testing. Allele origin: germline.

Mayo Clinic Laboratories, Mayo Clinic
Classification: Pathogenic. Last evaluated: 2020-04-14. Review status: criteria provided, single submitter. Criteria: ACMG Guidelines, 2015. Collection method: clinical testing. Allele origin: germline. Observed: 1 variant allele.
Comment: PVS1_Moderate, PS3, PM2, PM3

Neuberg Centre For Genomic Medicine, NCGM
Classification: Pathogenic for Fanconi anemia complementation group A. Review status: criteria provided, single submitter. Criteria: ACMG Guidelines, 2015. Collection method: clinical testing. Allele origin: germline. Inheritance: Autosomal recessive inheritance. Affected: yes.
Comment: The start loss variant c.2T>C (p.Met1?) in FANCA gene has been reported previously in individuals affected with Fanconia anemia (Levran et al., 2005; Gille et al., 2012). In addition, other variants that also affect the initiator methionine of the FANCA mRNA (c.1A>T, c.1A>G, and c.2T>A) have been reported in individuals affected with Fanconi anemia (Chandra et al., 2005). The c.2T>C (p.Met1?) variant is reported with the allele frequency (0.004%) in the gnomAD Exomes and is novel (not in any individuals) in 1000 Genomes. This variant has been reported to the ClinVar database as Pathogenic. The variant is predicted to be damaging by both SIFT and PolyPhen2. The residue is conserved across species. The nucleotide change in FANCA is predicted as conserved by GERP++ and PhyloP across 100 vertebrates. For these reasons, this variant has been classified as Pathogenic.

Leiden Open Variation Database
Classification: Pathogenic for Fanconi anemia complementation group A. Last evaluated: 2020-02-28. Review status: no assertion criteria provided. Collection method: curation. Allele origin: germline. Affected: yes. Not counted in ClinVar's aggregate classification.
Comment: Curator: Arleen D. Auerbach. Submitters to LOVD: Arleen D. Auerbach, Johan de Winter.

Counsyl
Classification: Pathogenic for Fanconi anemia complementation group A. Last evaluated: 2017-10-25. Review status: no assertion criteria provided. Collection method: clinical testing. Allele origin: unknown. Not counted in ClinVar's aggregate classification.

Literature cited by the submitters: PubMed 10090479 (cited by Labcorp Genetics (formerly Invitae), Labcorp); PubMed 15643609 (cited by 4 submitters); PubMed 16084127 (cited by Labcorp Genetics (formerly Invitae), Labcorp); PubMed 22778927 (cited by 5 submitters); PubMed 23898106 (cited by Labcorp Genetics (formerly Invitae), Labcorp); PubMed 24584348 (cited by Labcorp Genetics (formerly Invitae), Labcorp); PubMed 30792206 (cited by Women's Health and Genetics/Laboratory Corporation of America, LabCorp); PubMed 19367192 (cited by Women's Health and Genetics/Laboratory Corporation of America, LabCorp and Counsyl); PubMed 30031030 (cited by Women's Health and Genetics/Laboratory Corporation of America, LabCorp and Mayo Clinic Laboratories, Mayo Clinic); PubMed 19278965 (cited by Women's Health and Genetics/Laboratory Corporation of America, LabCorp).